The following is an entry in ClinVar:

NM_032279.4(ATP13A4):c.3121G>A (p.Val1041Ile)

Gene: ATP13A4 (ATPase 13A4; minus strand). Cytogenetic location: 3q29.
Variant type: single nucleotide variant.
Coding change: c.3121G>A on transcript NM_032279.4 (MANE Select); coding-DNA position 3121, G replaced by A.
Protein change: p.Val1041Ile; replaces valine 1041 with isoleucine.
Molecular consequence: missense variant.
Genome position (GRCh38, 1-based): chr3:193,412,265, C>T on the plus strand (G>A on the coding strand, the complement: ATP13A4 is on the minus strand). VCF-style: chr3-193412265-C-T. GRCh37 (hg19) VCF-style: chr3-193130054-C-T.
Other names: c.3121G>A (NM_032279.2); short protein forms V1041I.
Identifiers: ClinVar variation 729133 (VCV000729133.8), dbSNP rs115558454, ClinGen allele CA2757851.

ClinVar aggregate classification (germline): Likely benign. Review status: criteria provided, multiple submitters, no conflicts (2 of 4 stars). 3 submissions from 3 submitters: Likely benign (2). 1 of the submissions does not count toward it. Last evaluated 2021-12-14.

Conditions:
ATP13A4-related disorder. Also called: ATP13A4-related condition.

Allele frequency attached by ClinVar (database versions not stated): gnomAD exomes 0.00005 and 0.00015; ExAC 0.00014; ESP Exome Variant Server 0.00062; gnomAD 0.00066 and 0.00072; TOPMed 0.00075; 1000 Genomes Project 30x 0.00078; 1000 Genomes Project 0.00080.
gnomAD v4.1: 183 of 1,613,472 alleles (0.011%); highest among the groups gnomAD compares: African/African-American, 0.22%; 1 homozygote.

Submissions (3):

Ambry Genetics
Classification: Likely benign. Last evaluated: 2021-12-14. Review status: criteria provided, single submitter. Criteria: Ambry Variant Classification Scheme 2023. Collection method: clinical testing. Allele origin: germline.

Labcorp Genetics (formerly Invitae), Labcorp
Classification: Likely benign. Last evaluated: 2017-12-13. Review status: criteria provided, single submitter. Criteria: Invitae Variant Classification Sherloc (09022015). Collection method: clinical testing. Allele origin: germline.

PreventionGenetics, part of Exact Sciences
Classification: Likely benign for ATP13A4-related condition. Last evaluated: 2022-06-12. Review status: no assertion criteria provided. Collection method: clinical testing. Allele origin: germline. Not counted in ClinVar's aggregate classification.
Comment: This variant is classified as likely benign based on ACMG/AMP sequence variant interpretation guidelines (Richards et al. 2015 PMID: 25741868, with internal and published modifications).